The following is an entry in ClinVar:

ClinVar aggregate classification (germline): Uncertain significance (1 of 4 stars; one submission).

Conditions:
Hereditary cancer-predisposing syndrome. Also called: Tumor predisposition; Hereditary neoplastic syndrome; Hereditary Cancer Syndrome; Neoplastic Syndromes, Hereditary. Identifiers: Orphanet 140162, MedGen C0027672, MeSH D009386, MONDO:0015356.

gnomAD v4.1: 1 of 1,613,642 alleles (0.000062%); highest among the groups gnomAD compares: Non-Finnish European, 0.000085%; no homozygotes.

Submission:

Ambry Genetics
Classification: Uncertain significance for Hereditary cancer-predisposing syndrome. Last evaluated: 2025-04-03. Review status: criteria provided, single submitter. Criteria: Ambry Variant Classification Scheme 2023. Collection method: clinical testing. Allele origin: germline.
Comment: The p.P6S variant (also known as c.16C>T), located in coding exon 1 of the SMARCA4 gene, results from a C to T substitution at nucleotide position 16. The proline at codon 6 is replaced by serine, an amino acid with similar properties. This amino acid position is conserved. In addition, the in silico prediction for this alteration is inconclusive. Based on the available evidence, the clinical significance of this variant remains unclear.

NM_003072.5(SMARCA4):c.16C>T (p.Pro6Ser)

Gene: SMARCA4 (SWI/SNF related BAF chromatin remodeling complex subunit ATPase 4; plus strand). Cytogenetic location: 19p13.2.
Variant type: single nucleotide variant.
Coding change: c.16C>T on transcript NM_003072.5 (MANE Select); coding-DNA position 16, C replaced by T.
Protein change: p.Pro6Ser; replaces proline 6 with serine.
Molecular consequence: missense variant. On other transcripts: non-coding transcript variant (1).
Genome position (GRCh38, 1-based): chr19:10,984,167, C>T. VCF-style: chr19-10984167-C-T. GRCh37 (hg19) VCF-style: chr19-11094843-C-T.
Other names: c.16C>T, p.Pro6Ser (NM_001128849.3, NM_001374457.1, NM_001387283.1 and 6 more transcripts); short protein forms P6S.
Identifiers: ClinVar variation 3958434 (VCV003958434.1).